The following is an entry in ClinVar:

ClinVar aggregate classification (germline): Uncertain significance (1 of 4 stars; one submission).

Conditions:
Inborn genetic diseases. Identifiers: MedGen C0950123, MeSH D030342.

Allele frequency attached by ClinVar (database versions not stated): TOPMed below 0.00001; gnomAD 0.00001.
gnomAD v4.1: 1 of 1,613,976 alleles (0.000062%); highest among the groups gnomAD compares: Non-Finnish European, 0.000085%; no homozygotes.

Submission:

Ambry Genetics
Classification: Uncertain significance for Inborn genetic diseases. Last evaluated: 2023-11-17. Review status: criteria provided, single submitter. Criteria: Ambry Variant Classification Scheme 2023. Collection method: clinical testing. Allele origin: germline.
Comment: The p.V372L variant (also known as c.1114G>T), located in coding exon 4 of the ATR gene, results from a G to T substitution at nucleotide position 1114. The valine at codon 372 is replaced by leucine, an amino acid with highly similar properties. This amino acid position is conserved. In addition, this alteration is predicted to be tolerated by in silico analysis. Since supporting evidence is limited at this time, the clinical significance of this alteration remains unclear.

NM_001184.4(ATR):c.1114G>T (p.Val372Leu)

Gene: ATR (ATR checkpoint kinase; minus strand). Cytogenetic location: 3q23.
Variant type: single nucleotide variant.
Coding change: c.1114G>T on transcript NM_001184.4 (MANE Select); coding-DNA position 1114, G replaced by T.
Protein change: p.Val372Leu; replaces valine 372 with leucine.
Molecular consequence: missense variant.
Genome position (GRCh38, 1-based): chr3:142,562,288, C>A on the plus strand (G>T on the coding strand, the complement: ATR is on the minus strand). VCF-style: chr3-142562288-C-A. GRCh37 (hg19) VCF-style: chr3-142281130-C-A.
Other names: c.1114G>T, p.Val372Leu (NM_001354579.2); short protein forms V372L.
Identifiers: ClinVar variation 3221035 (VCV003221035.1), dbSNP rs2034910951, ClinGen allele CA354823663.